The following is an entry in ClinVar:

NM_015295.3(SMCHD1):c.4717A>C (p.Met1573Leu)

Gene: SMCHD1 (structural maintenance of chromosomes flexible hinge domain containing 1; plus strand). Cytogenetic location: 18p11.32.
Variant type: single nucleotide variant.
Coding change: c.4717A>C on transcript NM_015295.3 (MANE Select); coding-DNA position 4717, A replaced by C.
Protein change: p.Met1573Leu; replaces methionine 1573 with leucine.
Molecular consequence: missense variant.
Genome position (GRCh38, 1-based): chr18:2,763,787, A>C. VCF-style: chr18-2763787-A-C. GRCh37 (hg19) VCF-style: chr18-2763785-A-C.
Other names: short protein forms M1573L.
Identifiers: ClinVar variation 2865001 (VCV002865001.3), dbSNP rs1428214885, ClinGen allele CA401697645.

ClinVar aggregate classification (germline): Uncertain significance (1 of 4 stars; one submission).

Conditions:
Facioscapulohumeral muscular dystrophy 2 (FSHD2). Also called: MUSCULAR DYSTROPHY, FACIOSCAPULOHUMERAL, TYPE 1B; FACIOSCAPULOHUMERAL MUSCULAR DYSTROPHY 2, DIGENIC; FSHD2, DIGENIC. Identifiers: Orphanet 269, MedGen C1834671, MONDO:0008031, OMIM 158901.

Submission:

Labcorp Genetics (formerly Invitae), Labcorp
Classification: Uncertain significance for Facioscapulohumeral muscular dystrophy 2. Last evaluated: 2025-05-05. Review status: criteria provided, single submitter. Criteria: Invitae Variant Classification Sherloc (09022015). Collection method: clinical testing. Allele origin: germline.
Comment: This sequence change replaces methionine, which is neutral and non-polar, with leucine, which is neutral and non-polar, at codon 1573 of the SMCHD1 protein (p.Met1573Leu). This variant is not present in population databases (gnomAD no frequency). This variant has not been reported in the literature in individuals affected with SMCHD1-related conditions. ClinVar contains an entry for this variant (Variation ID: 2865001). An algorithm developed to predict the effect of missense changes on protein structure and function (PolyPhen-2) suggests that this variant is likely to be tolerated. In summary, the available evidence is currently insufficient to determine the role of this variant in disease. Therefore, it has been classified as a Variant of Uncertain Significance.